The following is an entry in ClinVar:

NM_000388.4(CASR):c.2010_2011del (p.Glu671fs)

Gene: CASR (calcium sensing receptor; plus strand). Cytogenetic location: 3q21.1.
Variant type: Deletion.
Coding change: c.2010_2011del on transcript NM_000388.4 (MANE Select); coding-DNA positions 2010 to 2011, 2 bases deleted (GG; older notation c.2010_2011delGG).
Protein change: p.Glu671fs; shifts the reading frame from glutamic acid 671.
Molecular consequence: frameshift variant.
Genome position (GRCh38, 1-based): chr3:122,283,964-122,283,965, GG deleted; deleting any 2 consecutive bases within chr3:122,283,962-122,283,965 gives the same sequence; the c. name uses the placement nearest the transcript's 3' end. VCF-style (leftmost placement, unchanged base first): chr3-122283961-CGG-C. GRCh37 (hg19) VCF-style: chr3-122002808-CGG-C.
Other names: c.2040_2041del, p.Glu681fs (NM_001178065.2); short protein forms E681fs, E671fs.
Identifiers: ClinVar variation 945014 (VCV000945014.10), dbSNP rs2074927630, ClinGen allele CA1139658227.
Genomic context (GRCh38, chr3:122,283,961, plus strand): 5'-GCTCTCCTACCTCCTCCTCTTCTCCCTGCTCTGCTGCTTCTCCAGCTCCCTGTTCTTCAT[CGG>C]GGAGCCCCAGGACTGGACGTGCCGCCTGCGCCAGCCGGCCTTTGGCATCAGCTTCGTGCT-3'

ClinVar aggregate classification (germline): Pathogenic (1 of 4 stars; one submission).

Conditions:
Familial hypocalciuric hypercalcemia (FHH). Also called: Familial benign hypercalcemia. Identifiers: Orphanet 405, MedGen C1809471, MONDO:0018458.
Autosomal dominant hypocalcemia 1 (HYPOC1). Also called: HYPOCALCEMIA, FAMILIAL. Identifiers: MedGen C3715128, MONDO:0011013, OMIM 601198.

Submission:

Labcorp Genetics (formerly Invitae), Labcorp
Classification: Pathogenic for Familial hypocalciuric hypercalcemia; Autosomal dominant hypocalcemia 1. Last evaluated: 2024-01-10. Review status: criteria provided, single submitter. Criteria: Invitae Variant Classification Sherloc (09022015). Collection method: clinical testing. Allele origin: germline.
Comment: This sequence change creates a premature translational stop signal (p.Glu671Alafs*36) in the CASR gene. While this is not anticipated to result in nonsense mediated decay, it is expected to disrupt the last 408 amino acid(s) of the CASR protein. This variant is not present in population databases (gnomAD no frequency). This variant has not been reported in the literature in individuals affected with CASR-related conditions. ClinVar contains an entry for this variant (Variation ID: 945014). This variant disrupts a region of the CASR protein in which other variant(s) (p.Lys882fs) have been determined to be pathogenic (PMID: 7717399, 9109436, 9217223, 20374733). This suggests that this is a clinically significant region of the protein, and that variants that disrupt it are likely to be disease-causing. For these reasons, this variant has been classified as Pathogenic.

Literature cited by the submitters: PubMed 7717399; PubMed 9109436; PubMed 9217223; PubMed 20374733.